The following is an entry in ClinVar:

NM_004370.6(COL12A1):c.8713C>T (p.Arg2905Ter)

Gene: COL12A1 (collagen type XII alpha 1 chain; minus strand). Cytogenetic location: 6q13.
Variant type: single nucleotide variant.
Coding change: c.8713C>T on transcript NM_004370.6 (MANE Select); coding-DNA position 8713, C replaced by T.
Protein change: p.Arg2905Ter; replaces arginine 2905 with a stop codon.
Molecular consequence: nonsense.
Genome position (GRCh38, 1-based): chr6:75,091,362, G>A on the plus strand (C>T on the coding strand, the complement: COL12A1 is on the minus strand). VCF-style: chr6-75091362-G-A. GRCh37 (hg19) VCF-style: chr6-75801078-G-A.
Other names: c.5221C>T, p.Arg1741Ter (NM_080645.3); short protein forms R1741*, R2905*.
Identifiers: ClinVar variation 642795 (VCV000642795.11), dbSNP rs371399251, ClinGen allele CA3892137.
Genomic context (GRCh38, chr6:75,091,362, plus strand): 5'-TAAAAAGAAAAGAAATTTTACCACTTATCAATTGTTCACAGACTTGTCTTGCAACTGCTC[G>A]CATCATGTTCTGGGAAGCAATGTCTCCCTTGTTGAATTAATGAGAATGATTAGCATATTA-3'

ClinVar aggregate classification (germline): Conflicting classifications of pathogenicity. Review status: criteria provided, conflicting classifications (1 of 4 stars). 3 submissions from 3 submitters: Pathogenic (1); Likely pathogenic (1); Uncertain significance (1). Last evaluated 2025-10-02.

Conditions:
COL12A1-related disorder. Also called: COL12A1-related condition.
Ullrich congenital muscular dystrophy 2 (UCMD2). Identifiers: Orphanet 75840, MedGen C4225314, MONDO:0014654, OMIM 616470.
Bethlem myopathy 2 (BTHLM2). Identifiers: Orphanet 536516, Orphanet 610, MedGen C4225313, MONDO:0034022, OMIM 616471.

Allele frequency attached by ClinVar (database versions not stated): ESP Exome Variant Server 0.00008.
gnomAD v4.1: 3 of 1,613,616 alleles (0.00019%); highest among the groups gnomAD compares: South Asian, 0.0022%; no homozygotes.

Submissions (3):

Labcorp Genetics (formerly Invitae), Labcorp
Classification: Pathogenic for Bethlem myopathy 2; Ullrich congenital muscular dystrophy 2. Last evaluated: 2025-10-02. Review status: criteria provided, single submitter. Criteria: Invitae Variant Classification Sherloc (09022015). Collection method: clinical testing. Allele origin: germline.
Comment: This sequence change creates a premature translational stop signal (p.Arg2905*) in the COL12A1 gene. It is expected to result in an absent or disrupted protein product. Loss-of-function variants in COL12A1 are known to be pathogenic (PMID: 24334604, 28973083). This variant is present in population databases (rs371399251, gnomAD 0.006%). This variant has not been reported in the literature in individuals affected with COL12A1-related conditions. ClinVar contains an entry for this variant (Variation ID: 642795). Algorithms developed to predict the effect of sequence changes on RNA splicing suggest that this variant may disrupt the consensus splice site. For these reasons, this variant has been classified as Pathogenic.

PreventionGenetics, part of Exact Sciences
Classification: Uncertain significance for COL12A1-related condition. Last evaluated: 2025-06-16. Review status: criteria provided, single submitter. Criteria: ACMG Guidelines, 2015. Collection method: clinical testing. Allele origin: germline.
Comment: The COL12A1 c.8713C>T variant is predicted to result in premature protein termination (p.Arg2905*). To our knowledge, this variant has not been reported in any affected individuals in the literature. This variant is reported in 0.0065% of alleles in individuals of South Asian descent in gnomAD. Early termination changes upstream, but not downstream of this alteration have been reported as causative for COL12A1-related disorders. Although we suspect that this variant may be pathogenic, at this time, the clinical significance of this variant is uncertain due to the absence of conclusive functional and genetic evidence.

GeneDx
Classification: Likely pathogenic. Last evaluated: 2023-03-01. Review status: criteria provided, single submitter. Criteria: GeneDx Variant Classification Process June 2021. Collection method: clinical testing. Allele origin: germline. Affected: yes.
Comment: Nonsense variant predicted to result in protein truncation or nonsense mediated decay in a gene for which loss of function is a known mechanism of disease; Not observed at significant frequency in large population cohorts (gnomAD); Has not been previously published as pathogenic or benign to our knowledge

Literature cited by the submitters: PubMed 24334604 (cited by Labcorp Genetics (formerly Invitae), Labcorp); PubMed 28973083 (cited by Labcorp Genetics (formerly Invitae), Labcorp).